The following is an entry in ClinVar:

NM_000321.3(RB1):c.2442A>C (p.Lys814Asn)

Gene: RB1 (RB transcriptional corepressor 1; plus strand). Cytogenetic location: 13q14.2.
Variant type: single nucleotide variant.
Coding change: c.2442A>C on transcript NM_000321.3 (MANE Select); coding-DNA position 2442, A replaced by C.
Protein change: p.Lys814Asn; replaces lysine 814 with asparagine.
Molecular consequence: missense variant.
Genome position (GRCh38, 1-based): chr13:48,465,321, A>C. VCF-style: chr13-48465321-A-C. GRCh37 (hg19) VCF-style: chr13-49039457-A-C.
Other names: short protein forms K814N.
Identifiers: ClinVar variation 571360 (VCV000571360.12), dbSNP rs1566237790, ClinGen allele CA388167993.

ClinVar aggregate classification (germline): Uncertain significance. Review status: criteria provided, multiple submitters, no conflicts (2 of 4 stars). 2 submissions from 2 submitters: Uncertain significance (2). Last evaluated 2025-02-28.

Conditions:
Retinoblastoma (RB1). Also called: RETINOBLASTOMA, SOMATIC. Identifiers: Orphanet 790, MedGen C0035335, MeSH D012175, MONDO:0008380, OMIM 180200, HP:0009919. Disease mechanism: loss of function. Inheritance: Both sporadic and heritable forms are tested..
Hereditary cancer-predisposing syndrome. Also called: Hereditary neoplastic syndrome; Tumor predisposition; Neoplastic Syndromes, Hereditary; Hereditary Cancer Syndrome. Identifiers: Orphanet 140162, MedGen C0027672, MeSH D009386, MONDO:0015356.

Allele frequency attached by ClinVar (database versions not stated): gnomAD exomes below 0.00001.
gnomAD v4.1: 1 of 1,611,544 alleles (0.000062%); highest among the groups gnomAD compares: Non-Finnish European, 0.000085%; no homozygotes.

Submissions (2):

Ambry Genetics
Classification: Uncertain significance for Hereditary cancer-predisposing syndrome. Last evaluated: 2025-02-28. Review status: criteria provided, single submitter. Criteria: Ambry Variant Classification Scheme 2023. Collection method: clinical testing. Allele origin: germline.
Comment: The p.K814N variant (also known as c.2442A>C), located in coding exon 23 of the RB1 gene, results from an A to C substitution at nucleotide position 2442. The lysine at codon 814 is replaced by asparagine, an amino acid with similar properties. This amino acid position is highly conserved in available vertebrate species. In addition, this alteration is predicted to be tolerated by in silico analysis. Since supporting evidence is limited at this time, the clinical significance of this alteration remains unclear.

Labcorp Genetics (formerly Invitae), Labcorp
Classification: Uncertain significance for Retinoblastoma. Last evaluated: 2022-06-01. Review status: criteria provided, single submitter. Criteria: Invitae Variant Classification Sherloc (09022015). Collection method: clinical testing. Allele origin: germline.
Comment: This sequence change replaces lysine, which is basic and polar, with asparagine, which is neutral and polar, at codon 814 of the RB1 protein (p.Lys814Asn). This variant is not present in population databases (gnomAD no frequency). This variant has not been reported in the literature in individuals affected with RB1-related conditions. ClinVar contains an entry for this variant (Variation ID: 571360). Algorithms developed to predict the effect of missense changes on protein structure and function (SIFT, PolyPhen-2, Align-GVGD) all suggest that this variant is likely to be disruptive. In summary, the available evidence is currently insufficient to determine the role of this variant in disease. Therefore, it has been classified as a Variant of Uncertain Significance.